The following is an entry in ClinVar:

NM_000524.4(HTR1A):c.681C>A (p.Arg227=)

Gene: HTR1A (5-hydroxytryptamine receptor 1A; minus strand). Cytogenetic location: 5q12.3.
Variant type: single nucleotide variant.
Coding change: c.681C>A on transcript NM_000524.4 (MANE Select); coding-DNA position 681, C replaced by A.
Protein change: p.Arg227=; no amino-acid change (arginine 227 retained).
Molecular consequence: synonymous variant.
Genome position (GRCh38, 1-based): chr5:63,961,039, G>T on the plus strand (C>A on the coding strand, the complement: HTR1A is on the minus strand). VCF-style: chr5-63961039-G-T. GRCh37 (hg19) VCF-style: chr5-63256866-G-T.
Identifiers: ClinVar variation 5040529 (VCV005040529.1).

ClinVar aggregate classification (germline): Likely benign (1 of 4 stars; one submission).

Submission:

CeGaT Center for Human Genetics Tuebingen
Classification: Likely benign. Last evaluated: 2026-08-01. Review status: criteria provided, single submitter. Criteria: CeGaT Center For Human Genetics Tuebingen Variant Classification Criteria Version 2. Collection method: clinical testing. Allele origin: germline. Affected: yes. Observed: 1 variant allele.
Comment: HTR1A: PM2:Supporting, BP4, BP7